The following is an entry in ClinVar:

ClinVar aggregate classification (germline): Benign (1 of 4 stars; one submission).

Allele frequency attached by ClinVar (database versions not stated): gnomAD 0.00020 and 0.00126; ESP Exome Variant Server 0.00043; gnomAD exomes 0.00531; ExAC 0.00578; 1000 Genomes Project 0.00779; 1000 Genomes Project 30x 0.00796.

Submission:

GeneDx
Classification: Benign. Last evaluated: 2017-10-03. Review status: criteria provided, single submitter. Criteria: GeneDx Variant Classification (06012015). Collection method: clinical testing. Allele origin: germline. Affected: yes.
Comment: This variant is considered likely benign or benign based on one or more of the following criteria: it is a conservative change, it occurs at a poorly conserved position in the protein, it is predicted to be benign by multiple in silico algorithms, and/or has population frequency not consistent with disease.

NM_003386.3(ZAN):c.146C>T (p.Pro49Leu)

Gene: ZAN (zonadhesin; plus strand). Cytogenetic location: 7q22.1.
Variant type: single nucleotide variant.
Coding change: c.146C>T on transcript NM_003386.3 (MANE Select); coding-DNA position 146, C replaced by T.
Protein change: p.Pro49Leu; replaces proline 49 with leucine.
Molecular consequence: missense variant. On other transcripts: non-coding transcript variant (3).
Genome position (GRCh38, 1-based): chr7:100,736,522, C>T. VCF-style: chr7-100736522-C-T. GRCh37 (hg19) VCF-style: chr7-100334145-C-T.
Other names: c.146C>T, p.Pro49Leu (NM_173059.3); short protein forms P49L.
Identifiers: ClinVar variation 516855 (VCV000516855.1), dbSNP rs199612069, ClinGen allele CA4389664.